The following is an entry in ClinVar:

NM_000090.4(COL3A1):c.1975C>T (p.Pro659Ser)

Gene: COL3A1 (collagen type III alpha 1 chain; plus strand). Cytogenetic location: 2q32.2.
Variant type: single nucleotide variant.
Coding change: c.1975C>T on transcript NM_000090.4 (MANE Select); coding-DNA position 1975, C replaced by T.
Protein change: p.Pro659Ser; replaces proline 659 with serine.
Molecular consequence: missense variant.
Genome position (GRCh38, 1-based): chr2:188,998,317, C>T. VCF-style: chr2-188998317-C-T. GRCh37 (hg19) VCF-style: chr2-189863043-C-T.
Other names: short protein forms P659S.
Identifiers: ClinVar variation 2775116 (VCV002775116.3), dbSNP rs1064796979, ClinGen allele CA349854166.

ClinVar aggregate classification (germline): Uncertain significance. Review status: criteria provided, multiple submitters, no conflicts (2 of 4 stars). 2 submissions from 2 submitters: Uncertain significance (2). Last evaluated 2026-03-02.

Conditions:
Familial thoracic aortic aneurysm and aortic dissection (TAAD). Also called: Thoracic aortic aneurysms and dissections. Identifiers: Orphanet 91387, MedGen C4707243, MONDO:0019625.

Submissions (2):

Women's Health and Genetics/Laboratory Corporation of America, LabCorp
Classification: Uncertain significance. Last evaluated: 2026-03-02. Review status: criteria provided, single submitter. Criteria: LabCorp Variant Classification Summary - May 2015. Collection method: clinical testing. Allele origin: germline.
Comment: Variant summary: COL3A1 c.1975C>T (p.Pro659Ser) results in a non-conservative amino acid change in the encoded protein sequence. Algorithms developed to predict the effect of missense changes on protein structure and function are either unavailable or do not agree on the potential impact of this missense change. Consensus agreement among computation tools predict no significant impact on normal splicing. However, these predictions have yet to be confirmed by functional studies. The variant was absent in 250548 control chromosomes. The available data on variant occurrences in the general population are insufficient to allow any conclusion about variant significance. To our knowledge, no occurrence of c.1975C>T in individuals affected with COL3A1-related conditions and no experimental evidence demonstrating its impact on protein function have been reported. ClinVar contains an entry for this variant (Variation ID: 2775116). Based on the evidence outlined above, the variant was classified as uncertain significance.

Color Diagnostics, LLC DBA Color Health
Classification: Uncertain significance for Familial thoracic aortic aneurysm and aortic dissection. Last evaluated: 2022-11-16. Review status: criteria provided, single submitter. Criteria: ACMG Guidelines, 2015. Collection method: clinical testing. Allele origin: germline.
Comment: This missense variant replaces proline with serine at codon 659 of the COL3A1 protein. Computational prediction suggests that this variant may not impact protein structure and function (internally defined REVEL score threshold <= 0.5, PMID: 27666373). To our knowledge, functional studies have not been reported for this variant. This variant has not been reported in individuals affected with COL3A1-related disorders in the literature. This variant has not been identified in the general population by the Genome Aggregation Database (gnomAD). The available evidence is insufficient to determine the role of this variant in disease conclusively. Therefore, this variant is classified as a Variant of Uncertain Significance.